The following is an entry in ClinVar:

ClinVar aggregate classification (germline): Likely benign (1 of 4 stars; one submission).

gnomAD v4.1: 9,917 of 1,611,944 alleles (0.62%); highest among the groups gnomAD compares: Middle Eastern, 1.1%; 52 homozygotes.

Submission:

CeGaT Center for Human Genetics Tuebingen
Classification: Likely benign. Last evaluated: 2026-08-01. Review status: criteria provided, single submitter. Criteria: CeGaT Center For Human Genetics Tuebingen Variant Classification Criteria Version 2. Collection method: clinical testing. Allele origin: germline. Affected: yes. Observed: 29 variant alleles.
Comment: ASCC3: BP4, BS2

NM_006828.4(ASCC3):c.2287-8G>A

Gene: ASCC3 (activating signal cointegrator 1 complex subunit 3; minus strand). Cytogenetic location: 6q16.3.
Variant type: single nucleotide variant.
Coding change: c.2287-8G>A on transcript NM_006828.4 (MANE Select); 8 bases into the intron before coding-DNA position 2287, G replaced by A.
Molecular consequence: intron variant.
Genome position (GRCh38, 1-based): chr6:100,662,544, C>T on the plus strand (G>A on the coding strand, the complement: ASCC3 is on the minus strand). VCF-style: chr6-100662544-C-T. GRCh37 (hg19) VCF-style: chr6-101110420-C-T.
Identifiers: ClinVar variation 3898118 (VCV003898118.7).